The following is an entry in ClinVar:

ClinVar aggregate classification (germline): Uncertain significance (1 of 4 stars; one submission).

Conditions:
Hereditary cancer-predisposing syndrome. Also called: Neoplastic Syndromes, Hereditary; Tumor predisposition; Hereditary Cancer Syndrome; Hereditary neoplastic syndrome. Identifiers: Orphanet 140162, MedGen C0027672, MeSH D009386, MONDO:0015356.

Submission:

Ambry Genetics
Classification: Uncertain significance for Hereditary cancer-predisposing syndrome. Last evaluated: 2025-10-01. Review status: criteria provided, single submitter. Criteria: Ambry Variant Classification Scheme 2023. Collection method: clinical testing. Allele origin: germline.
Comment: The p.T236S variant (also known as c.707C>G), located in coding exon 7 of the CDC73 gene, results from a C to G substitution at nucleotide position 707. The threonine at codon 236 is replaced by serine, an amino acid with similar properties. This amino acid position is conserved. In addition, the in silico prediction for this alteration is inconclusive. Based on the available evidence, the clinical significance of this variant remains unclear.

NM_024529.5(CDC73):c.707C>G (p.Thr236Ser)

Gene: CDC73 (cell division cycle 73; plus strand). Cytogenetic location: 1q31.2.
Variant type: single nucleotide variant.
Coding change: c.707C>G on transcript NM_024529.5 (MANE Select); coding-DNA position 707, C replaced by G.
Protein change: p.Thr236Ser; replaces threonine 236 with serine.
Molecular consequence: missense variant.
Genome position (GRCh38, 1-based): chr1:193,142,044, C>G. VCF-style: chr1-193142044-C-G. GRCh37 (hg19) VCF-style: chr1-193111174-C-G.
Other names: short protein forms T236S.
Identifiers: ClinVar variation 4631499 (VCV004631499.1).
Genomic context (GRCh38, chr1:193,142,044, plus strand): 5'-CTGAGGTAGATGTGACCCGAGATATTGTCAGCAGAGAGAGAGTATGGAGGACACGAACAA[C>G]TATCTTACAAAGCACAGGAAAGGTAATTAAAATATTTTACTCATTCATTGGAGTGAGAGA-3'
Protein context (NP_078805.3, residues 226-246): SRERVWRTRT[Thr236Ser]ILQSTGKNFS